The following is an entry in ClinVar:

NM_000384.3(APOB):c.7236C>A (p.Phe2412Leu)

Gene: APOB (apolipoprotein B; minus strand). Cytogenetic location: 2p24.1.
Variant type: single nucleotide variant.
Coding change: c.7236C>A on transcript NM_000384.3 (MANE Select); coding-DNA position 7236, C replaced by A.
Protein change: p.Phe2412Leu; replaces phenylalanine 2412 with leucine.
Molecular consequence: missense variant.
Genome position (GRCh38, 1-based): chr2:21,009,632, G>T on the plus strand (C>A on the coding strand, the complement: APOB is on the minus strand). VCF-style: chr2-21009632-G-T. GRCh37 (hg19) VCF-style: chr2-21232504-G-T.
Other names: short protein forms F2412L.
Identifiers: ClinVar variation 4124980 (VCV004124980.1).

ClinVar aggregate classification (germline): Uncertain significance (1 of 4 stars; one submission).

Conditions:
Cardiovascular phenotype. Identifiers: MedGen CN230736.

Submission:

Ambry Genetics
Classification: Uncertain significance for Cardiovascular phenotype. Last evaluated: 2025-07-03. Review status: criteria provided, single submitter. Criteria: Ambry Variant Classification Scheme 2023. Collection method: clinical testing. Allele origin: germline.
Comment: The p.F2412L variant (also known as c.7236C>A), located in coding exon 26 of the APOB gene, results from a C to A substitution at nucleotide position 7236. The phenylalanine at codon 2412 is replaced by leucine, an amino acid with highly similar properties. This amino acid position is conserved. In addition, this alteration is predicted to be tolerated by in silico analysis. Based on the available evidence, the clinical significance of this variant remains unclear.